The following is an entry in ClinVar:

NM_000322.5(PRPH2):c.*847_*850del

Gene: PRPH2 (peripherin 2; minus strand). Cytogenetic location: 6p21.1.
Variant type: Deletion.
Coding change: c.*847_*850del on transcript NM_000322.5 (MANE Select); 847 bases downstream of the stop codon through 850 bases downstream of the stop codon, 4 bases deleted (ATCA; older notation c.*847_*850delATCA).
Molecular consequence: 3 prime UTR variant.
Genome position (GRCh38, 1-based): chr6:42,697,445-42,697,448, TGAT deleted on the plus strand (ATCA on the coding strand, the reverse complement: PRPH2 is on the minus strand); deleting any 4 consecutive bases within chr6:42,697,445-42,697,450 gives the same sequence; the c. name uses the placement nearest the transcript's 3' end. VCF-style (leftmost placement, unchanged base first): chr6-42697444-CTGAT-C. GRCh37 (hg19) VCF-style: chr6-42665182-CTGAT-C.
Identifiers: ClinVar variation 1175233 (VCV001175233.1), dbSNP rs1299464577, ClinGen allele CA824854314.

ClinVar aggregate classification (germline): Uncertain significance (0 of 4 stars; one submission).

Submission:

Leiden Open Variation Database
Classification: Uncertain significance. Last evaluated: 2021-05-27. Review status: no assertion criteria provided. Collection method: curation. Allele origin: germline. Affected: yes.
Comment: Curator: Global Variome, with Curator vacancy. Submitter to LOVD: Manon Peeters.

Literature cited by the submitters: PubMed 9361310.